The following is an entry in ClinVar:

NM_000540.3(RYR1):c.12447G>C (p.Leu4149=)

Gene: RYR1 (ryanodine receptor 1; plus strand). Cytogenetic location: 19q13.2.
Variant type: single nucleotide variant.
Coding change: c.12447G>C on transcript NM_000540.3 (MANE Select); coding-DNA position 12447, G replaced by C.
Protein change: p.Leu4149=; no amino-acid change (leucine 4149 retained).
Molecular consequence: synonymous variant.
Genome position (GRCh38, 1-based): chr19:38,561,277, G>C. VCF-style: chr19-38561277-G-C. GRCh37 (hg19) VCF-style: chr19-39051917-G-C.
Other names: c.12432G>C, p.Leu4144= (NM_001042723.2).
Identifiers: ClinVar variation 3069970 (VCV003069970.1), dbSNP rs2145831135, ClinGen allele CA507355175.
Genomic context (GRCh38, chr19:38,561,277, plus strand): 5'-CCGCTTCCAGGAGCCAGCACGCGACATCGGCTTCAACGTGGCGGTGCTGCTGACCAACCT[G>C]TCGGAGCATGTGCCGCATGACCCTCGCCTGCACAACTTCCTGGAGCTGGCCGAGAGCATC-3'
Protein context (NP_000531.2, residues 4139-4159): GFNVAVLLTN[Leu4149=]SEHVPHDPRL

ClinVar aggregate classification (germline): Likely benign (1 of 4 stars; one submission).

Conditions:
Malignant hyperthermia, susceptibility to, 1 (MHS1). Also called: RYR1-Related Malignant Hyperthermia Susceptibility; Anesthesia related hyperthermia; Malignant hyperpyrexia; Fulminating hyperpyrexia; Pharmacogenic myopathy; Malignant hyperthermia suceptibility 1. Identifiers: Orphanet 423, MedGen C2930980, MONDO:0007783, OMIM 145600.

Allele frequency attached by ClinVar (database versions not stated): gnomAD exomes below 0.00001.
gnomAD v4.1: 1 of 1,614,050 alleles (0.000062%); highest among the groups gnomAD compares: Non-Finnish European, 0.000085%; no homozygotes.

Submission:

All of Us Research Program, National Institutes of Health
Classification: Likely benign for Malignant hyperthermia, susceptibility to, 1. Last evaluated: 2023-03-23. Review status: criteria provided, single submitter. Criteria: ACMG Guidelines, 2015. Collection method: clinical testing. Allele origin: germline. Inheritance: Autosomal dominant inheritance. Observed: 1 variant allele, 1 heterozygote.
Comment: This study involves interpretation of variants in research participants for the purpose of population health screening. Participant phenotype was not available at the time of variant classification. Additional details can be found in publication PMID: 35346344, PMCID: PMC8962531